The following is an entry in ClinVar:

ClinVar aggregate classification (germline): Likely benign (1 of 4 stars; one submission).

Conditions:
KIZ-related disorder. Also called: KIZ-related condition.

gnomAD v4.1: 135 of 1,405,882 alleles (0.0096%); highest among the groups gnomAD compares: African/African-American, 0.16%; no homozygotes.

Submission:

PreventionGenetics, part of Exact Sciences
Classification: Likely benign for KIZ-related condition. Last evaluated: 2025-12-10. Review status: criteria provided, single submitter. Criteria: ACMG Guidelines, 2015. Collection method: clinical testing. Allele origin: germline.
Comment: This variant is classified as likely benign based on ACMG/AMP sequence variant interpretation guidelines (Richards et al. 2015 PMID: 25741868, with internal and published modifications).

NM_001276389.2(KIZ):c.29C>G (p.Pro10Arg)

Genes: KIZ (kizuna centrosomal protein; plus strand), LOC130065507 (ATAC-STARR-seq lymphoblastoid silent region 12713; plus strand). Cytogenetic location: 20p11.23.
Variant type: single nucleotide variant.
Coding change: c.29C>G on transcript NM_001276389.2; coding-DNA position 29, C replaced by G.
Protein change: p.Pro10Arg; replaces proline 10 with arginine.
Molecular consequence: missense variant.
Genome position (GRCh38, 1-based): chr20:21,126,065, C>G. VCF-style: chr20-21126065-C-G. GRCh37 (hg19) VCF-style: chr20-21106706-C-G.
Other names: short protein forms P10R.
Identifiers: ClinVar variation 4980446 (VCV004980446.1).